The following is an entry in ClinVar:

ClinVar aggregate classification (germline): Conflicting classifications of pathogenicity. Review status: criteria provided, conflicting classifications (1 of 4 stars). 4 submissions from 4 submitters: Uncertain significance (2); Likely benign (2). Last evaluated 2026-01-19.

Conditions:
Hennekam lymphangiectasia-lymphedema syndrome 2 (HKLLS2). Identifiers: Orphanet 2136, MedGen C4014939, MONDO:0014454, OMIM 616006.
Van Maldergem syndrome 2 (VMLDS2). Identifiers: Orphanet 314679, MedGen C3809875, MONDO:0014242, OMIM 615546.

Allele frequency attached by ClinVar (database versions not stated): ExAC 0.00008; gnomAD exomes 0.00009 and 0.00018; TOPMed 0.00009; gnomAD 0.00010; ESP Exome Variant Server 0.00023.
gnomAD v4.1: 272 of 1,613,872 alleles (0.017%); highest among the groups gnomAD compares: Non-Finnish European, 0.022%; no homozygotes.

Submissions (4):

Labcorp Genetics (formerly Invitae), Labcorp
Classification: Likely benign. Last evaluated: 2026-01-19. Review status: criteria provided, single submitter. Criteria: Invitae Variant Classification Sherloc (09022015). Collection method: clinical testing. Allele origin: germline.

Blueprint Genetics
Classification: Likely benign. Last evaluated: 2024-10-23. Review status: criteria provided, single submitter. Criteria: ACMG Guidelines, 2015. Collection method: clinical testing. Allele origin: germline.

Fulgent Genetics
Classification: Uncertain significance for Van Maldergem syndrome 2; Hennekam lymphangiectasia-lymphedema syndrome 2. Last evaluated: 2024-05-31. Review status: criteria provided, single submitter. Criteria: ACMG Guidelines, 2015. Collection method: clinical testing. Allele origin: germline.

GeneDx
Classification: Uncertain significance. Last evaluated: 2021-06-15. Review status: criteria provided, single submitter. Criteria: GeneDx Variant Classification Process June 2021. Collection method: clinical testing. Allele origin: germline. Affected: yes.
Comment: In silico analysis supports that this missense variant does not alter protein structure/function; Has not been previously published as pathogenic or benign to our knowledge; This variant is associated with the following publications: (PMID: 27535533)

NM_001291303.3(FAT4):c.12778G>A (p.Val4260Ile)

Gene: FAT4 (FAT atypical cadherin 4; plus strand). Cytogenetic location: 4q28.1.
Variant type: single nucleotide variant.
Coding change: c.12778G>A on transcript NM_001291303.3 (MANE Select); coding-DNA position 12778, G replaced by A.
Protein change: p.Val4260Ile; replaces valine 4260 with isoleucine.
Molecular consequence: missense variant.
Genome position (GRCh38, 1-based): chr4:125,481,694, G>A. VCF-style: chr4-125481694-G-A. GRCh37 (hg19) VCF-style: chr4-126402849-G-A.
Other names: c.12772G>A (NM_024582.5); c.12778G>A, p.Val4260Ile (NM_001291285.3); c.12772G>A, p.Val4258Ile (NM_024582.6); short protein forms V4258I, V4260I.
Identifiers: ClinVar variation 1328875 (VCV001328875.11), dbSNP rs369024765, ClinGen allele CA3074179.